The following is an entry in ClinVar:

NM_005228.5(EGFR):c.1937T>C (p.Ile646Thr)

Gene: EGFR (epidermal growth factor receptor; plus strand). Cytogenetic location: 7p11.2.
Variant type: single nucleotide variant.
Coding change: c.1937T>C on transcript NM_005228.5 (MANE Select); coding-DNA position 1937, T replaced by C.
Protein change: p.Ile646Thr; replaces isoleucine 646 with threonine.
Molecular consequence: missense variant.
Genome position (GRCh38, 1-based): chr7:55,173,000, T>C. VCF-style: chr7-55173000-T-C. GRCh37 (hg19) VCF-style: chr7-55240693-T-C.
Other names: c.1802T>C, p.Ile601Thr (NM_001346897.2, NM_001346899.2); c.1937T>C, p.Ile646Thr (NM_001346898.2); c.1778T>C, p.Ile593Thr (NM_001346900.2); c.1136T>C, p.Ile379Thr (NM_001346941.2); short protein forms I379T, I593T, I601T, I646T.
Identifiers: ClinVar variation 4870236 (VCV004870236.1).

ClinVar aggregate classification (germline): Uncertain significance (1 of 4 stars; one submission).

Conditions:
Hereditary cancer-predisposing syndrome. Also called: Neoplastic Syndromes, Hereditary; Tumor predisposition; Hereditary Cancer Syndrome; Hereditary neoplastic syndrome. Identifiers: Orphanet 140162, MedGen C0027672, MeSH D009386, MONDO:0015356.

Submission:

Ambry Genetics
Classification: Uncertain significance for Hereditary cancer-predisposing syndrome. Last evaluated: 2026-04-03. Review status: criteria provided, single submitter. Criteria: Ambry Variant Classification Scheme 2023. Collection method: clinical testing. Allele origin: germline.
Comment: The p.I646T variant (also known as c.1937T>C), located in coding exon 17 of the EGFR gene, results from a T to C substitution at nucleotide position 1937. The isoleucine at codon 646 is replaced by threonine, an amino acid with similar properties. This amino acid position is conserved. In addition, the in silico prediction for this alteration is inconclusive. Based on the available evidence, the clinical significance of this variant remains unclear.